The following is an entry in ClinVar:

NM_004695.4(SLC16A5):c.852C>T (p.Asn284=)

Gene: SLC16A5 (solute carrier family 16 member 5; plus strand). Cytogenetic location: 17q25.1.
Variant type: single nucleotide variant.
Coding change: c.852C>T on transcript NM_004695.4 (MANE Select); coding-DNA position 852, C replaced by T.
Protein change: p.Asn284=; no amino-acid change (asparagine 284 retained).
Molecular consequence: synonymous variant.
Genome position (GRCh38, 1-based): chr17:75,100,515, C>T. VCF-style: chr17-75100515-C-T. GRCh37 (hg19) VCF-style: chr17-73096610-C-T.
Other names: c.852C>T, p.Asn284= (NM_001271765.2, NM_001369668.1).
Identifiers: ClinVar variation 3390112 (VCV003390112.14).

ClinVar aggregate classification (germline): Likely benign (1 of 4 stars; one submission).

gnomAD v4.1: 1 of 1,614,230 alleles (0.000062%); highest among the groups gnomAD compares: Non-Finnish European, 0.000085%; no homozygotes.

Submission:

CeGaT Center for Human Genetics Tuebingen
Classification: Likely benign. Last evaluated: 2024-11-01. Review status: criteria provided, single submitter. Criteria: CeGaT Center For Human Genetics Tuebingen Variant Classification Criteria Version 2. Collection method: clinical testing. Allele origin: germline. Affected: yes. Observed: 1 variant allele.
Comment: SLC16A5: BP4, BP7